The following is an entry in ClinVar:

ClinVar aggregate classification (germline): Conflicting classifications of pathogenicity. Review status: criteria provided, conflicting classifications (1 of 4 stars). 2 submissions from 2 submitters: Uncertain significance (1); Likely benign (1). Last evaluated 2023-10-11.

Allele frequency attached by ClinVar (database versions not stated): gnomAD 0.00001; TOPMed 0.00001.
gnomAD v4.1: 9 of 1,474,102 alleles (0.00061%); highest among the groups gnomAD compares: Non-Finnish European, 0.00064%; no homozygotes.

Submissions (2):

Blueprint Genetics
Classification: Likely benign. Last evaluated: 2023-10-11. Review status: criteria provided, single submitter. Criteria: ACMG Guidelines, 2015. Collection method: clinical testing. Allele origin: germline.

Labcorp Genetics (formerly Invitae), Labcorp
Classification: Uncertain significance. Last evaluated: 2023-08-30. Review status: criteria provided, single submitter. Criteria: Invitae Variant Classification Sherloc (09022015). Collection method: clinical testing. Allele origin: germline.
Comment: This variant is not present in population databases (gnomAD no frequency). In summary, the available evidence is currently insufficient to determine the role of this variant in disease. Therefore, it has been classified as a Variant of Uncertain Significance. Algorithms developed to predict the effect of sequence changes on RNA splicing suggest that this variant may disrupt the consensus splice site. This variant has not been reported in the literature in individuals affected with DTHD1-related conditions. This sequence change falls in intron 3 of the DTHD1 gene. It does not directly change the encoded amino acid sequence of the DTHD1 protein.

NM_001170700.3(DTHD1):c.1398+19G>A

Gene: DTHD1 (death domain containing 1; plus strand). Cytogenetic location: 4p14.
Variant type: single nucleotide variant.
Coding change: c.1398+19G>A on transcript NM_001170700.3 (MANE Select); 19 bases into the intron after coding-DNA position 1398, G replaced by A.
Molecular consequence: intron variant. On other transcripts: non-coding transcript variant (1).
Genome position (GRCh38, 1-based): chr4:36,293,724, G>A. VCF-style: chr4-36293724-G-A. GRCh37 (hg19) VCF-style: chr4-36295346-G-A.
Other names: c.528+19G>A (NM_001136536.5); c.465+19G>A (NM_001378435.1).
Identifiers: ClinVar variation 2993770 (VCV002993770.4), dbSNP rs1236486217, ClinGen allele CA551141842.